The following is an entry in ClinVar:

NC_000001.10:g.(?_151122490)_(151585008_?)dup

Genes: PSMB4 (proteasome 20S subunit beta 4; plus strand), PIP5K1A (phosphatidylinositol-4-phosphate 5-kinase type 1 alpha; plus strand), SCNM1 (sodium channel modifier 1; plus strand), RFX5 (regulatory factor X5; minus strand), PSMD4 (proteasome 26S subunit ubiquitin receptor, non-ATPase 4; plus strand) and 11 more. Cytogenetic location: 1q21.3.
Variant type: Duplication.
Identifiers: ClinVar variation 1023952 (VCV001023952.7).

ClinVar aggregate classification (germline): Uncertain significance (1 of 4 stars; one submission).

Conditions:
Severe myoclonic epilepsy in infancy (DRVT). Also called: Dravet syndrome; SEVERE MYOCLONIC EPILEPSY OF INFANCY; Epileptic encephalopathy, early infantile, 6 (Dravet syndrome); DEVELOPMENTAL AND EPILEPTIC ENCEPHALOPATHY 6A; Severe Myoclonic Epilepsy in Infancy (SMEI). Identifiers: Orphanet 33069, MedGen C0751122, MONDO:0100135, OMIM 607208.

Submission:

Labcorp Genetics (formerly Invitae), Labcorp
Classification: Uncertain significance for Severe myoclonic epilepsy in infancy. Last evaluated: 2020-02-17. Review status: criteria provided, single submitter. Criteria: Invitae Variant Classification Sherloc (09022015). Collection method: clinical testing. Allele origin: germline.
Comment: In summary, the available evidence is currently insufficient to determine the role of this variant in disease. Therefore, it has been classified as a Variant of Uncertain Significance. Experimental studies and prediction algorithms are not available or were not evaluated, and the functional significance of this variant is currently unknown. This variant has not been reported in the literature in individuals with SNX27-related conditions. This variant results in a copy number gain of the genomic region encompassing exon 1 of the SNX27 gene, which includes the initiator codon. The 5' end of this event is unknown as it extends beyond the assayed region for this gene and therefore may encompass additional genes. The 3' boundary is likely confined to intron 1 of the SNX27 gene. As the precise location of this event is unknown, it may be in tandem or it may be located elsewhere in the genome.